The following is an entry in ClinVar:

ClinVar aggregate classification (germline): Uncertain significance (1 of 4 stars; one submission).

Submission:

Labcorp Genetics (formerly Invitae), Labcorp
Classification: Uncertain significance. Last evaluated: 2024-09-06. Review status: criteria provided, single submitter. Criteria: Invitae Variant Classification Sherloc (09022015). Collection method: clinical testing. Allele origin: germline.
Comment: This sequence change replaces aspartic acid, which is acidic and polar, with alanine, which is neutral and non-polar, at codon 151 of the MYO7A protein (p.Asp151Ala). This variant is not present in population databases (gnomAD no frequency). This variant has not been reported in the literature in individuals affected with MYO7A-related conditions. Invitae Evidence Modeling of protein sequence and biophysical properties (such as structural, functional, and spatial information, amino acid conservation, physicochemical variation, residue mobility, and thermodynamic stability) has been performed for this missense variant. However, the output from this modeling did not meet the statistical confidence thresholds required to predict the impact of this variant on MYO7A protein function. In summary, the available evidence is currently insufficient to determine the role of this variant in disease. Therefore, it has been classified as a Variant of Uncertain Significance.

NM_000260.4(MYO7A):c.452A>C (p.Asp151Ala)

Gene: MYO7A (myosin VIIA; plus strand). Cytogenetic location: 11q13.5.
Variant type: single nucleotide variant.
Coding change: c.452A>C on transcript NM_000260.4 (MANE Select); coding-DNA position 452, A replaced by C.
Protein change: p.Asp151Ala; replaces aspartic acid 151 with alanine.
Molecular consequence: missense variant.
Genome position (GRCh38, 1-based): chr11:77,156,073, A>C. VCF-style: chr11-77156073-A-C. GRCh37 (hg19) VCF-style: chr11-76867119-A-C.
Other names: c.452A>C, p.Asp151Ala (NM_001127180.2); c.419A>C, p.Asp140Ala (NM_001369365.1); short protein forms D140A, D151A.
Identifiers: ClinVar variation 2841974 (VCV002841974.3), dbSNP rs2496731753, ClinGen allele CA381931673.